The following is an entry in ClinVar:

NM_001370259.2(MEN1):c.1638_1639dup (p.Glu547fs)

Gene: MEN1 (menin 1; minus strand). Cytogenetic location: 11q13.1.
Variant type: Duplication.
Coding change: c.1638_1639dup on transcript NM_001370259.2 (MANE Select); coding-DNA positions 1638 to 1639, 2 bases duplicated (GG; older notation c.1638_1639dupGG).
Protein change: p.Glu547fs; shifts the reading frame from glutamic acid 547.
Molecular consequence: frameshift variant.
Genome position (GRCh38, 1-based): chr11:64,804,528-64,804,529, CC duplicated on the plus strand (GG on the coding strand, the reverse complement: MEN1 is on the minus strand). VCF-style (leftmost placement, unchanged base first): chr11-64804527-T-TCC. GRCh37 (hg19) VCF-style: chr11-64571999-T-TCC.
Other names: c.1638_1639dupGG (NM_130799.2); c.1653_1654dup, p.Glu552fs (NM_000244.4, NM_130800.3, NM_130801.3 and 3 more transcripts); c.1764_1765dup, p.Glu589fs (NM_001370251.2); c.1638_1639dup, p.Glu547fs (NM_001370260.2, NM_001370261.2, NM_130799.3); c.1533_1534dup, p.Glu512fs (NM_001370262.2, NM_001370263.2); short protein forms E552fs, E512fs, E589fs, E547fs.
Identifiers: ClinVar variation 428035 (VCV000428035.6), dbSNP rs1114167496, ClinGen allele CA645369570.
Genomic context (GRCh38, chr11:64,804,527, plus strand): 5'-GCCACCAGCAGCTCCTTCATGCCCTTCATCTTCTCACTCTGGAAAGTGAGCACTGGACCC[T>TCC]CCGGCGGTGGTGATGCTGTGGGTGCTGGCACCTGAGCCGTGCTGCCACCTTCAGGGCCTC-3'

ClinVar aggregate classification (germline): Pathogenic (1 of 4 stars; one submission).

Conditions:
Hereditary cancer-predisposing syndrome. Also called: Hereditary Cancer Syndrome; Neoplastic Syndromes, Hereditary; Hereditary neoplastic syndrome; Tumor predisposition. Identifiers: Orphanet 140162, MedGen C0027672, MeSH D009386, MONDO:0015356.

Submission:

Ambry Genetics
Classification: Pathogenic for Hereditary cancer-predisposing syndrome. Last evaluated: 2021-07-09. Review status: criteria provided, single submitter. Criteria: Ambry Variant Classification Scheme 2023. Collection method: clinical testing. Allele origin: germline.
Comment: The c.1638_1639dupGG pathogenic mutation, located in coding exon 9 of the MEN1 gene, results from a duplication of GG at nucleotide position 1638, causing a translational frameshift with a predicted alternate stop codon (p.E547Gfs*13). This alteration occurs at the 3' terminus of theMEN1 gene, is not expected to trigger nonsense-mediated mRNA decay, and only impacts the last 64 amino acids of the protein. However, premature stop codons are typically deleterious in nature and the impacted region is critical for protein function (Ambry internal data). This alteration was detected in at least one individual from a cohort of German patients meeting MEN1 clinical diagnostic criteria (Schaaf L et al. Exp Clin Endocrinol Diabetes, 2007 Sep;115:509-17). This variant is considered to be rare based on population cohorts in the Genome Aggregation Database (gnomAD). Based on the supporting evidence, this alteration is interpreted as a disease-causing mutation.

Literature cited by the submitters: PubMed 17853334.